The following is an entry in ClinVar:

ClinVar aggregate classification (germline): Uncertain significance (1 of 4 stars; one submission).

Conditions:
Retinoblastoma (RB1). Also called: RETINOBLASTOMA, SOMATIC. Identifiers: Orphanet 790, MedGen C0035335, MeSH D012175, MONDO:0008380, OMIM 180200, HP:0009919. Disease mechanism: loss of function. Inheritance: Both sporadic and heritable forms are tested..

Submission:

Labcorp Genetics (formerly Invitae), Labcorp
Classification: Uncertain significance for Retinoblastoma. Last evaluated: 2023-07-08. Review status: criteria provided, single submitter. Criteria: Invitae Variant Classification Sherloc (09022015). Collection method: clinical testing. Allele origin: germline.
Comment: In summary, the available evidence is currently insufficient to determine the role of this variant in disease. Therefore, it has been classified as a Variant of Uncertain Significance. Advanced modeling of protein sequence and biophysical properties (such as structural, functional, and spatial information, amino acid conservation, physicochemical variation, residue mobility, and thermodynamic stability) performed at Invitae indicates that this missense variant is not expected to disrupt RB1 protein function. This variant has not been reported in the literature in individuals affected with RB1-related conditions. This variant is not present in population databases (gnomAD no frequency). This sequence change replaces leucine, which is neutral and non-polar, with phenylalanine, which is neutral and non-polar, at codon 189 of the RB1 protein (p.Leu189Phe).

NM_000321.3(RB1):c.567G>T (p.Leu189Phe)

Gene: RB1 (RB transcriptional corepressor 1; plus strand). Cytogenetic location: 13q14.2.
Variant type: single nucleotide variant.
Coding change: c.567G>T on transcript NM_000321.3 (MANE Select); coding-DNA position 567, G replaced by T.
Protein change: p.Leu189Phe; replaces leucine 189 with phenylalanine.
Molecular consequence: missense variant.
Genome position (GRCh38, 1-based): chr13:48,348,983, G>T. VCF-style: chr13-48348983-G-T. GRCh37 (hg19) VCF-style: chr13-48923119-G-T.
Other names: c.567G>T, p.Leu189Phe (NM_001407165.1, NM_001407166.1); short protein forms L189F.
Identifiers: ClinVar variation 2739052 (VCV002739052.3), dbSNP rs2138093559, ClinGen allele CA388156935.